The following is an entry in ClinVar:

NM_001042432.2(CLN3):c.105G>A (p.Trp35Ter)

Gene: CLN3 (CLN3 lysosomal/endosomal transmembrane protein, battenin; minus strand). Cytogenetic location: 16p12.1.
Variant type: single nucleotide variant.
Coding change: c.105G>A on transcript NM_001042432.2 (MANE Select); coding-DNA position 105, G replaced by A.
Protein change: p.Trp35Ter; replaces tryptophan 35 with a stop codon.
Molecular consequence: nonsense. On other transcripts: intron variant (3).
Genome position (GRCh38, 1-based): chr16:28,491,502, C>T on the plus strand (G>A on the coding strand, the complement: CLN3 is on the minus strand). VCF-style: chr16-28491502-C-T. GRCh37 (hg19) VCF-style: chr16-28502823-C-T.
Other names: c.105G>A, p.Trp35Ter (NM_000086.2, NM_001286104.2); c.-38+212G>A (NM_001286109.2, NM_001286110.2); c.-96+212G>A (NM_001286105.2); short protein forms W35*.
Identifiers: ClinVar variation 56249 (VCV000056249.14), dbSNP rs386833700, ClinGen allele CA263613.

ClinVar aggregate classification (germline): Pathogenic. Review status: criteria provided, multiple submitters, no conflicts (2 of 4 stars). 5 submissions from 5 submitters: Pathogenic (4). 1 of the submissions does not count toward it. Last evaluated 2021-08-10.

Conditions:
Neuronal ceroid lipofuscinosis. Also called: Neuronal Ceroid Lipofuscinoses. Identifiers: Orphanet 216, Orphanet 79263, MedGen C0027877, MONDO:0016295. Disease mechanism: loss of function.
Neuronal ceroid lipofuscinosis 3 (CLN3). Identifiers: Orphanet 228346, MedGen C0751383, MONDO:0008767, OMIM 204200.

Allele frequency attached by ClinVar (database versions not stated): gnomAD exomes below 0.00001; ExAC 0.00001.
gnomAD v4.1: 1 of 1,613,836 alleles (0.000062%); highest among the groups gnomAD compares: South Asian, 0.0011%; no homozygotes.

Submissions (5):

Genome-Nilou Lab
Classification: Pathogenic for Neuronal ceroid lipofuscinosis 3. Last evaluated: 2021-08-10. Review status: criteria provided, single submitter. Criteria: ACMG Guidelines, 2015. Collection method: clinical testing. Allele origin: germline. Affected: no.

Women's Health and Genetics/Laboratory Corporation of America, LabCorp
Classification: Pathogenic for Neuronal ceroid lipofuscinosis. Last evaluated: 2020-12-12. Review status: criteria provided, single submitter. Criteria: LabCorp Variant Classification Summary - May 2015. Collection method: clinical testing. Allele origin: germline.
Comment: Variant summary: CLN3 c.105G>A (p.Trp35X) results in a premature termination codon, predicted to cause a truncation of the encoded protein or absence of the protein due to nonsense mediated decay, which are commonly known mechanisms for disease. Truncations downstream of this position have been classified as pathogenic by our laboratory. The variant allele was found at a frequency of 4e-06 in 250986 control chromosomes. c.105G>A has been reported in the literature in individuals affected with Juvenile Neuronal Ceroid-Lipofuscinosis (Juvenile Batten Disease) (example, Kwon_2011, Kousi_2012, Miller_2013). These data indicate that the variant is likely to be associated with disease. Two clinical diagnostic laboratories have submitted clinical-significance assessments for this variant to ClinVar after 2014 without evidence for independent evaluation. All laboratories classified the variant as pathogenic. Based on the evidence outlined above, the variant was classified as pathogenic.

GeneDx
Classification: Pathogenic. Last evaluated: 2020-11-03. Review status: criteria provided, single submitter. Criteria: GeneDx Variant Classification Process June 2021. Collection method: clinical testing. Allele origin: germline. Affected: yes.
Comment: Nonsense variant predicted to result in protein truncation or nonsense mediated decay in a gene for which loss-of-function is a known mechanism of disease; Not observed at a significant frequency in large population cohorts (Lek et al., 2016); This variant is associated with the following publications: (PMID: 32707205, 23539563, 22013180, 21990111)

Labcorp Genetics (formerly Invitae), Labcorp
Classification: Pathogenic for Neuronal ceroid lipofuscinosis. Last evaluated: 2019-03-28. Review status: criteria provided, single submitter. Criteria: Invitae Variant Classification Sherloc (09022015). Collection method: clinical testing. Allele origin: germline.
Comment: For these reasons, this variant has been classified as Pathogenic. Loss-of-function variants in CLN3 are known to be pathogenic (PMID: 9311735, 28542676). This variant has been observed in several individuals affected with Batten disease (PMID: 21990111, 22013180, 23539563). ClinVar contains an entry for this variant (Variation ID: 56249). This variant is present in population databases (rs386833700, ExAC 0.006%). This sequence change creates a premature translational stop signal (p.Trp35*) in the CLN3 gene. It is expected to result in an absent or disrupted protein product.

Juha Muilu Group; Institute for Molecular Medicine Finland (FIMM)
Classification: Likely pathogenic for Juvenile neuronal ceroid lipofuscinosis. Review status: no assertion criteria provided. Collection method: not provided. Allele origin: unknown. Not counted in ClinVar's aggregate classification.
Comment: FinDis database variant: This variant was not found or characterized by our laboratory, data were collected from public sources: see reference
ClinVar note: Converted during submission from probable-pathogenic to Likely pathogenic.

Literature cited by the submitters: PubMed 21990111 (cited by Women's Health and Genetics/Laboratory Corporation of America, LabCorp and Labcorp Genetics (formerly Invitae), Labcorp); PubMed 23539563 (cited by Women's Health and Genetics/Laboratory Corporation of America, LabCorp and Labcorp Genetics (formerly Invitae), Labcorp); PubMed 22013180 (cited by Women's Health and Genetics/Laboratory Corporation of America, LabCorp and Labcorp Genetics (formerly Invitae), Labcorp); PubMed 9311735 (cited by Labcorp Genetics (formerly Invitae), Labcorp); PubMed 28542676 (cited by Labcorp Genetics (formerly Invitae), Labcorp).